The following is an entry in ClinVar:

ClinVar aggregate classification (germline): Uncertain significance (1 of 4 stars; one submission).

Submission:

CeGaT Center for Human Genetics Tuebingen
Classification: Uncertain significance. Last evaluated: 2024-10-01. Review status: criteria provided, single submitter. Criteria: CeGaT Center For Human Genetics Tuebingen Variant Classification Criteria Version 2. Collection method: clinical testing. Allele origin: germline. Affected: yes. Observed: 1 variant allele.
Comment: SLC1A3: PM2, PP3

NM_004172.5(SLC1A3):c.746T>A (p.Phe249Tyr)

Genes: SLC1A3 (solute carrier family 1 member 3; plus strand), SLC1A3-AS1 (SLC1A3 antisense RNA 1; minus strand). Cytogenetic location: 5p13.2.
Variant type: single nucleotide variant.
Coding change: c.746T>A on transcript NM_004172.5 (MANE Select); coding-DNA position 746, T replaced by A.
Protein change: p.Phe249Tyr; replaces phenylalanine 249 with tyrosine.
Molecular consequence: missense variant. On other transcripts: intron variant (1).
Genome position (GRCh38, 1-based): chr5:36,677,070, T>A. VCF-style: chr5-36677070-T-A. GRCh37 (hg19) VCF-style: chr5-36677172-T-A.
Other names: c.746T>A, p.Phe249Tyr (NM_001166695.3); c.608T>A, p.Phe203Tyr (NM_001289939.2); c.525-2557T>A (NM_001289940.2); short protein forms F203Y, F249Y.
Identifiers: ClinVar variation 3389496 (VCV003389496.14).